The following is an entry in ClinVar:

ClinVar aggregate classification (germline): Uncertain significance (1 of 4 stars; one submission).

Conditions:
Mitochondrial DNA depletion syndrome, encephalomyopathic form with methylmalonic aciduria (MTDPS5). Also called: Mitochondrial encephalomyopathy aminoacidopathy; SUCLA2-Related Mitochondrial DNA Depletion Syndrome, Encephalomyopathic Form with Methylmalonic Aciduria; MITOCHONDRIAL DNA DEPLETION SYNDROME, ENCEPHALOMYOPATHIC FORM, WITH OR WITHOUT METHYLMALONIC ACIDURIA, AUTOSOMAL RECESSIVE, SUCLA2-RELATED; Mitochondrial DNA depletion syndrome 5 (encephalomyopathic with or without methylmalonic aciduria). Identifiers: Orphanet 1933, MedGen C5980207, MONDO:0012791, OMIM 612073.

Submission:

Labcorp Genetics (formerly Invitae), Labcorp
Classification: Uncertain significance for Mitochondrial DNA depletion syndrome, encephalomyopathic form with methylmalonic aciduria. Last evaluated: 2025-01-23. Review status: criteria provided, single submitter. Criteria: Invitae Variant Classification Sherloc (09022015). Collection method: clinical testing. Allele origin: germline.
Comment: This sequence change replaces glutamine, which is neutral and polar, with leucine, which is neutral and non-polar, at codon 134 of the SUCLA2 protein (p.Gln134Leu). This variant is not present in population databases (gnomAD no frequency). This variant has not been reported in the literature in individuals affected with SUCLA2-related conditions. Invitae Evidence Modeling of protein sequence and biophysical properties (such as structural, functional, and spatial information, amino acid conservation, physicochemical variation, residue mobility, and thermodynamic stability) indicates that this missense variant is not expected to disrupt SUCLA2 protein function with a negative predictive value of 80%. In summary, the available evidence is currently insufficient to determine the role of this variant in disease. Therefore, it has been classified as a Variant of Uncertain Significance.

NM_003850.3(SUCLA2):c.401A>T (p.Gln134Leu)

Gene: SUCLA2 (succinate-CoA ligase ADP-forming subunit beta; minus strand). Cytogenetic location: 13q14.2.
Variant type: single nucleotide variant.
Coding change: c.401A>T on transcript NM_003850.3 (MANE Select); coding-DNA position 401, A replaced by T.
Protein change: p.Gln134Leu; replaces glutamine 134 with leucine.
Molecular consequence: missense variant.
Genome position (GRCh38, 1-based): chr13:47,988,674, T>A on the plus strand (A>T on the coding strand, the complement: SUCLA2 is on the minus strand). VCF-style: chr13-47988674-T-A. GRCh37 (hg19) VCF-style: chr13-48562809-T-A.
Other names: short protein forms Q134L.
Identifiers: ClinVar variation 3664186 (VCV003664186.2).